The following is an entry in ClinVar:

NM_001379291.1(BRD4):c.3168C>T (p.Thr1056=)

Gene: BRD4 (bromodomain containing 4; minus strand). Cytogenetic location: 19p13.12.
Variant type: single nucleotide variant.
Coding change: c.3168C>T on transcript NM_001379291.1 (MANE Select); coding-DNA position 3168, C replaced by T.
Protein change: p.Thr1056=; no amino-acid change (threonine 1056 retained).
Molecular consequence: synonymous variant.
Genome position (GRCh38, 1-based): chr19:15,242,901, G>A on the plus strand (C>T on the coding strand, the complement: BRD4 is on the minus strand). VCF-style: chr19-15242901-G-A. GRCh37 (hg19) VCF-style: chr19-15353712-G-A.
Other names: c.3168C>T, p.Thr1056= (NM_058243.3).
Identifiers: ClinVar variation 2145179 (VCV002145179.4), dbSNP rs201222649, ClinGen allele CA9264785.

ClinVar aggregate classification (germline): Uncertain significance (1 of 4 stars; one submission).

Allele frequency attached by ClinVar (database versions not stated): gnomAD exomes 0.00003; gnomAD 0.00004; TOPMed 0.00006; ExAC 0.00011.
gnomAD v4.1: 58 of 1,605,230 alleles (0.0036%); highest among the groups gnomAD compares: Non-Finnish European, 0.0035%; no homozygotes.

Submission:

Labcorp Genetics (formerly Invitae), Labcorp
Classification: Uncertain significance. Last evaluated: 2025-01-06. Review status: criteria provided, single submitter. Criteria: Invitae Variant Classification Sherloc (09022015). Collection method: clinical testing. Allele origin: germline.
Comment: This sequence change affects codon 1056 of the BRD4 mRNA. It is a 'silent' change, meaning that it does not change the encoded amino acid sequence of the BRD4 protein. It affects a nucleotide within the consensus splice site. The frequency data for this variant in the population databases is considered unreliable, as metrics indicate poor data quality at this position in the gnomAD database. This variant has not been reported in the literature in individuals affected with BRD4-related conditions. ClinVar contains an entry for this variant (Variation ID: 2145179). Algorithms developed to predict the effect of sequence changes on RNA splicing suggest that this variant is not likely to affect RNA splicing. In summary, the available evidence is currently insufficient to determine the role of this variant in disease. Therefore, it has been classified as a Variant of Uncertain Significance.